The following is an entry in ClinVar:

NM_001267550.2(TTN):c.26762-39TTTGT[3]

Gene: TTN (titin; minus strand). Cytogenetic location: 2q31.2.
Variant type: Microsatellite.
Coding change: c.26762-39TTTGT[3] on transcript NM_001267550.2 (MANE Select); three copies in a row of the 5-base unit TTTGT starting at c.26762-39; the reference has six copies in a row; three copies, 15 bases deleted.
Molecular consequence: intron variant.
Genome position (GRCh38, 1-based): chr2:178,713,382-178,713,396, ACAAAACAAAACAAA deleted on the plus strand (TTTGTTTTGTTTTGT on the coding strand, the reverse complement: TTN is on the minus strand); deleting any 15 consecutive bases within chr2:178,713,382-178,713,412 gives the same sequence; the position shown is the placement nearest the transcript's 3' end. VCF-style (leftmost placement, unchanged base first): chr2-178713381-TACAAAACAAAACAAA-T. GRCh37 (hg19) VCF-style: chr2-179578108-TACAAAACAAAACAAA-T.
Other names: c.26762-24_26762-10delTTTGTTTTGTTTTGT (NM_001267550.2); c.26762-24_26762-10del15 (NM_001267550.2); c.13282+24671TTTGT[3] (NM_003319.4); c.13858+24671TTTGT[3] (NM_133437.4); c.13657+24671TTTGT[3] (NM_133432.3); c.23030-39TTTGT[3] (NM_133378.4); c.25811-39TTTGT[3] (NM_001256850.1).
Identifiers: ClinVar variation 281387 (VCV000281387.10), dbSNP rs71393436, ClinGen allele CA10603867.

ClinVar aggregate classification (germline): Conflicting classifications of pathogenicity. Review status: criteria provided, conflicting classifications (1 of 4 stars). 4 submissions from 4 submitters: Uncertain significance (1); Likely benign (2). 1 of the submissions does not count toward it. Last evaluated 2018-08-30.

Conditions:
Dilated cardiomyopathy 1G (CMD1G). Identifiers: Orphanet 154, MedGen C1858763, MONDO:0011400, OMIM 604145.
Autosomal recessive limb-girdle muscular dystrophy type 2J (LGMDR10). Also called: Limb-girdle muscular dystrophy, type 2J; MUSCULAR DYSTROPHY, LIMB-GIRDLE, AUTOSOMAL RECESSIVE 10. Identifiers: Orphanet 140922, MedGen C1837342, MONDO:0012127, OMIM 608807.
TTN-related disorder. Also called: TTN-related disorders; TTN-related condition; TTN-related disease.

Submissions (4):

GeneDx
Classification: Likely benign. Last evaluated: 2018-08-30. Review status: criteria provided, single submitter. Criteria: GeneDx Variant Classification Process June 2021. Collection method: clinical testing. Allele origin: germline. Affected: yes.

Labcorp Genetics (formerly Invitae), Labcorp
Classification: Uncertain significance for Dilated cardiomyopathy 1G; Autosomal recessive limb-girdle muscular dystrophy type 2J. Last evaluated: 2017-06-28. Review status: criteria provided, single submitter. Criteria: Invitae Variant Classification Sherloc (09022015). Collection method: clinical testing. Allele origin: germline.

Eurofins Ntd Llc (ga)
Classification: Likely benign. Last evaluated: 2015-06-10. Review status: criteria provided, single submitter. Criteria: EGL Classification Definitions 2015. Collection method: clinical testing. Allele origin: germline. Observed: 2 variant alleles.

PreventionGenetics, part of Exact Sciences
Classification: Likely benign for TTN-related condition. Last evaluated: 2021-02-01. Review status: no assertion criteria provided. Collection method: clinical testing. Allele origin: germline. Not counted in ClinVar's aggregate classification.
Comment: This variant is classified as likely benign based on ACMG/AMP sequence variant interpretation guidelines (Richards et al. 2015 PMID: 25741868, with internal and published modifications).